The following is an entry in ClinVar:

ClinVar aggregate classification (germline): Uncertain significance. Review status: criteria provided, multiple submitters, no conflicts (2 of 4 stars). 3 submissions from 3 submitters: Uncertain significance (3). Last evaluated 2024-10-16.

Conditions:
Hereditary cancer-predisposing syndrome. Also called: Tumor predisposition; Neoplastic Syndromes, Hereditary; Hereditary Cancer Syndrome; Hereditary neoplastic syndrome. Identifiers: Orphanet 140162, MedGen C0027672, MeSH D009386, MONDO:0015356.
Oligodontia-cancer predisposition syndrome. Also called: TOOTH AGENESIS-COLORECTAL CANCER SYNDROME. Identifiers: Orphanet 300576, MedGen C1837750, MONDO:0012075, OMIM 608615. Disease mechanism: loss of function.

Allele frequency attached by ClinVar (database versions not stated): TOPMed below 0.00001; gnomAD 0.00001.

Submissions (3):

Labcorp Genetics (formerly Invitae), Labcorp
Classification: Uncertain significance for Oligodontia-cancer predisposition syndrome. Last evaluated: 2024-10-16. Review status: criteria provided, single submitter. Criteria: Invitae Variant Classification Sherloc (09022015). Collection method: clinical testing. Allele origin: germline.
Comment: This sequence change replaces methionine, which is neutral and non-polar, with leucine, which is neutral and non-polar, at codon 170 of the AXIN2 protein (p.Met170Leu). This variant is not present in population databases (gnomAD no frequency). This variant has not been reported in the literature in individuals affected with AXIN2-related conditions. ClinVar contains an entry for this variant (Variation ID: 1312627). Invitae Evidence Modeling of protein sequence and biophysical properties (such as structural, functional, and spatial information, amino acid conservation, physicochemical variation, residue mobility, and thermodynamic stability) indicates that this missense variant is not expected to disrupt AXIN2 protein function with a negative predictive value of 80%. In summary, the available evidence is currently insufficient to determine the role of this variant in disease. Therefore, it has been classified as a Variant of Uncertain Significance.

Ambry Genetics
Classification: Uncertain significance for Hereditary cancer-predisposing syndrome. Last evaluated: 2023-07-28. Review status: criteria provided, single submitter. Criteria: Ambry Variant Classification Scheme 2023. Collection method: clinical testing. Allele origin: germline.
Comment: The p.M170L variant (also known as c.508A>T), located in coding exon 1 of the AXIN2 gene, results from an A to T substitution at nucleotide position 508. The methionine at codon 170 is replaced by leucine, an amino acid with highly similar properties. This amino acid position is highly conserved in available vertebrate species. In addition, this alteration is predicted to be tolerated by in silico analysis. Since supporting evidence is limited at this time, the clinical significance of this alteration remains unclear.

GeneDx
Classification: Uncertain significance. Last evaluated: 2020-04-14. Review status: criteria provided, single submitter. Criteria: GeneDx Variant Classification Process June 2021. Collection method: clinical testing. Allele origin: germline. Affected: yes.
Comment: Not observed in large population cohorts (Lek 2016); Has not been previously published as pathogenic or benign to our knowledge

NM_004655.4(AXIN2):c.508A>T (p.Met170Leu)

Gene: AXIN2 (axin 2; minus strand). Cytogenetic location: 17q24.1.
Variant type: single nucleotide variant.
Coding change: c.508A>T on transcript NM_004655.4 (MANE Select); coding-DNA position 508, A replaced by T.
Protein change: p.Met170Leu; replaces methionine 170 with leucine.
Molecular consequence: missense variant.
Genome position (GRCh38, 1-based): chr17:65,558,113, T>A on the plus strand (A>T on the coding strand, the complement: AXIN2 is on the minus strand). VCF-style: chr17-65558113-T-A. GRCh37 (hg19) VCF-style: chr17-63554231-T-A.
Other names: c.508A>T, p.Met170Leu (NM_001363813.1); short protein forms M170L.
Identifiers: ClinVar variation 1312627 (VCV001312627.12), dbSNP rs2044299639, ClinGen allele CA400681121.